The following is an entry in ClinVar:

NM_018117.12(WDR11):c.2866C>T (p.Arg956Ter)

Gene: WDR11 (WD repeat domain 11; plus strand). Cytogenetic location: 10q26.12.
Variant type: single nucleotide variant.
Coding change: c.2866C>T on transcript NM_018117.12 (MANE Select); coding-DNA position 2866, C replaced by T.
Protein change: p.Arg956Ter; replaces arginine 956 with a stop codon.
Molecular consequence: nonsense.
Genome position (GRCh38, 1-based): chr10:120,903,167, C>T. VCF-style: chr10-120903167-C-T. GRCh37 (hg19) VCF-style: chr10-122662679-C-T.
Other names: short protein forms R956*.
Identifiers: ClinVar variation 4850221 (VCV004850221.1).
Genomic context (GRCh38, chr10:120,903,167, plus strand): 5'-CTGCACAGCTTATCCCAGGAAAAGTCAGCCAGCACAACAGCTCCTAAAGAAGCTGCTCCT[C>T]GAGACAAACTGAGCAACCCACTGGATATATGCTATGACGTGCTCTGTGAAAATGCCTACT-3'

ClinVar aggregate classification (germline): Likely pathogenic (1 of 4 stars; one submission).

Conditions:
Intellectual developmental disorder, autosomal recessive 78 (MRT78). Identifiers: MedGen C5830269, MONDO:0859373, OMIM 620237.

Submission:

Variantyx, Inc.
Classification: Likely pathogenic for Intellectual developmental disorder, autosomal recessive 78. Last evaluated: 2025-04-08. Review status: criteria provided, single submitter. Criteria: Variantyx Assertion Criteria 2022. Collection method: clinical testing. Allele origin: germline. Inheritance: Autosomal recessive inheritance.
Comment: This is a nonsense variant in the WDR11 gene (OMIM: 606417). Pathogenic variants in this gene have been associated with autosomal recessive intellectual developmental disorder 78. This variant introduces a premature termination codon in exon 23 out of 29 and is expected to result in loss of function, which is a known disease mechanism for WDR11 in this disorder (PMID: 34413497) (PVS1). This variant has a 0.0012% maximum allele frequency in non-founder control populations (PM2). It has not been reported in individuals with WDR11-related disorders in the databases available for review. Based on the current evidence, this variant is classified as likely pathogenic for autosomal recessive intellectual developmental disorder 78.

Literature cited by the submitters: PubMed 34413497.